The following is an entry in ClinVar:

ClinVar aggregate classification (germline): Uncertain significance (1 of 4 stars; one submission).

Conditions:
Immunodeficiency 104. Also called: Severe combined immunodeficiency, autosomal recessive, T cell-negative, B cell-positive, NK cell-positive; IMMUNODEFICIENCY 104, SEVERE COMBINED; SCID, AUTOSOMAL RECESSIVE, T CELL-NEGATIVE, B CELL-POSITIVE, NK CELL-POSITIVE; Severe Combined Immune Deficiency, Autosomal Recessive, TCell -Negative, B Cell-Positive, NK Cell-Positive, IL7R-Related. Identifiers: MedGen C5676890, MONDO:0012163, OMIM 608971.

Allele frequency attached by ClinVar (database versions not stated): gnomAD exomes 0.00001.
gnomAD v4.1: 4 of 1,612,226 alleles (0.00025%); highest among the groups gnomAD compares: Non-Finnish European, 0.00034%; no homozygotes.

Submission:

Labcorp Genetics (formerly Invitae), Labcorp
Classification: Uncertain significance for Immunodeficiency 104. Last evaluated: 2020-03-18. Review status: criteria provided, single submitter. Criteria: Invitae Variant Classification Sherloc (09022015). Collection method: clinical testing. Allele origin: germline.
Comment: In summary, the available evidence is currently insufficient to determine the role of this variant in disease. Therefore, it has been classified as a Variant of Uncertain Significance. Algorithms developed to predict the effect of missense changes on protein structure and function (SIFT, PolyPhen-2, Align-GVGD) all suggest that this variant is likely to be disruptive, but these predictions have not been confirmed by published functional studies and their clinical significance is uncertain. This variant has not been reported in the literature in individuals with PTPRC-related conditions. This variant is not present in population databases (ExAC no frequency). This sequence change replaces glutamic acid with glycine at codon 1041 of the PTPRC protein (p.Glu1041Gly). The glutamic acid residue is highly conserved and there is a moderate physicochemical difference between glutamic acid and glycine.

NM_002838.5(PTPRC):c.3122A>G (p.Glu1041Gly)

Gene: PTPRC (protein tyrosine phosphatase receptor type C; plus strand). Cytogenetic location: 1q32.1.
Variant type: single nucleotide variant.
Coding change: c.3122A>G on transcript NM_002838.5 (MANE Select); coding-DNA position 3122, A replaced by G.
Protein change: p.Glu1041Gly; replaces glutamic acid 1041 with glycine.
Molecular consequence: missense variant.
Genome position (GRCh38, 1-based): chr1:198,750,541, A>G. VCF-style: chr1-198750541-A-G. GRCh37 (hg19) VCF-style: chr1-198719670-A-G.
Other names: c.2639A>G, p.Glu880Gly (NM_080921.4); short protein forms E1041G, E880G.
Identifiers: ClinVar variation 1005262 (VCV001005262.9), dbSNP rs1655333053, ClinGen allele CA344054008.